The following is an entry in ClinVar:

ClinVar aggregate classification (germline): Benign/Likely benign. Review status: criteria provided, multiple submitters, no conflicts (2 of 4 stars). 3 submissions from 3 submitters: Benign (1); Likely benign (1). 1 of the submissions does not count toward it. Last evaluated 2025-12-09.

Conditions:
MPDZ-related disorder. Also called: MPDZ-related condition.
Inborn genetic diseases. Identifiers: MedGen C0950123, MeSH D030342.

Allele frequency attached by ClinVar (database versions not stated): gnomAD 0.00009 and 0.00017; gnomAD exomes 0.00009 and 0.00047; TOPMed 0.00018; ExAC 0.00075; 1000 Genomes Project 30x 0.00187; 1000 Genomes Project 0.00200.
gnomAD v4.1: 174 of 1,596,898 alleles (0.011%); highest among the groups gnomAD compares: East Asian, 0.31%; 2 homozygotes.

Submissions (3):

Labcorp Genetics (formerly Invitae), Labcorp
Classification: Benign. Last evaluated: 2025-12-09. Review status: criteria provided, single submitter. Criteria: Invitae Variant Classification Sherloc (09022015). Collection method: clinical testing. Allele origin: germline.

Ambry Genetics
Classification: Likely benign for Inborn genetic diseases. Last evaluated: 2022-05-13. Review status: criteria provided, single submitter. Criteria: Ambry Variant Classification Scheme 2023. Collection method: clinical testing. Allele origin: germline.

PreventionGenetics, part of Exact Sciences
Classification: Likely benign for MPDZ-related condition. Last evaluated: 2022-01-28. Review status: no assertion criteria provided. Collection method: clinical testing. Allele origin: germline. Not counted in ClinVar's aggregate classification.
Comment: This variant is classified as likely benign based on ACMG/AMP sequence variant interpretation guidelines (Richards et al. 2015 PMID: 25741868, with internal and published modifications).

NM_001378778.1(MPDZ):c.2429G>C (p.Cys810Ser)

Gene: MPDZ (multiple PDZ domain crumbs cell polarity complex component; minus strand). Cytogenetic location: 9p23.
Variant type: single nucleotide variant.
Coding change: c.2429G>C on transcript NM_001378778.1 (MANE Select); coding-DNA position 2429, G replaced by C.
Protein change: p.Cys810Ser; replaces cysteine 810 with serine.
Molecular consequence: missense variant.
Genome position (GRCh38, 1-based): chr9:13,186,322, C>G on the plus strand (G>C on the coding strand, the complement: MPDZ is on the minus strand). VCF-style: chr9-13186322-C-G. GRCh37 (hg19) VCF-style: chr9-13186321-C-G.
Other names: c.2429G>C, p.Cys810Ser (NM_001261406.2, NM_001261407.2, NM_001330637.2 and 14 more transcripts); c.2429G>C (NM_003829.3); short protein forms C810S.
Identifiers: ClinVar variation 727615 (VCV000727615.12), dbSNP rs200535644, ClinGen allele CA4987463.